The following is an entry in ClinVar:

ClinVar aggregate classification (germline): Benign/Likely benign. Review status: criteria provided, multiple submitters, no conflicts (2 of 4 stars). 3 submissions from 3 submitters: Benign (1); Likely benign (1). 1 of the submissions does not count toward it. Last evaluated 2026-05-01.

Conditions:
BICRA-related disorder. Also called: BICRA-related condition.

Allele frequency attached by ClinVar (database versions not stated): 1000 Genomes Project 30x 0.00016; 1000 Genomes Project 0.00020; gnomAD 0.00237; ESP Exome Variant Server 0.00240; TOPMed 0.00249; ExAC 0.00335; gnomAD exomes 0.00360.
gnomAD v4.1: 5,240 of 1,509,690 alleles (0.35%); highest among the groups gnomAD compares: Non-Finnish European, 0.39%; 14 homozygotes.

Submissions (3):

CeGaT Center for Human Genetics Tuebingen
Classification: Benign. Last evaluated: 2026-05-01. Review status: criteria provided, single submitter. Criteria: CeGaT Center For Human Genetics Tuebingen Variant Classification Criteria Version 2. Collection method: clinical testing. Allele origin: germline. Affected: yes. Observed: 14 variant alleles.
Comment: BICRA: BP4, BP7, BS1, BS2

Blueprint Genetics
Classification: Likely benign. Last evaluated: 2024-11-17. Review status: criteria provided, single submitter. Criteria: ACMG Guidelines, 2015. Collection method: clinical testing. Allele origin: germline.

PreventionGenetics, part of Exact Sciences
Classification: Likely benign for BICRA-related condition. Last evaluated: 2022-04-27. Review status: no assertion criteria provided. Collection method: clinical testing. Allele origin: germline. Not counted in ClinVar's aggregate classification.
Comment: This variant is classified as likely benign based on ACMG/AMP sequence variant interpretation guidelines (Richards et al. 2015 PMID: 25741868, with internal and published modifications).

NM_001394372.1(BICRA):c.2898G>A (p.Val966=)

Gene: BICRA (BRD4 interacting chromatin remodeling complex associated protein; plus strand). Cytogenetic location: 19q13.33.
Variant type: single nucleotide variant.
Coding change: c.2898G>A on transcript NM_001394372.1 (MANE Select); coding-DNA position 2898, G replaced by A.
Protein change: p.Val966=; no amino-acid change (valine 966 retained).
Molecular consequence: synonymous variant.
Genome position (GRCh38, 1-based): chr19:47,694,902, G>A. VCF-style: chr19-47694902-G-A. GRCh37 (hg19) VCF-style: chr19-48198159-G-A.
Other names: c.2898G>A, p.Val966= (NM_015711.3).
Identifiers: ClinVar variation 2650179 (VCV002650179.26), dbSNP rs188295244, ClinGen allele CA9542044.